The following is an entry in ClinVar:

ClinVar aggregate classification (germline): Likely benign. Review status: criteria provided, multiple submitters, no conflicts (2 of 4 stars). 3 submissions from 3 submitters: Likely benign (3). Last evaluated 2026-08-26.

Conditions:
KITLG-related disorder. Also called: KITLG-related condition.

Allele frequency attached by ClinVar (database versions not stated): ExAC 0.00004; gnomAD 0.00006; TOPMed 0.00006; ESP Exome Variant Server 0.00023.
gnomAD v4.1: 115 of 1,612,720 alleles (0.0071%); highest among the groups gnomAD compares: Non-Finnish European, 0.0085%; no homozygotes.

Submissions (3):

PreventionGenetics, part of Exact Sciences
Classification: Likely benign for KITLG-related condition. Last evaluated: 2026-08-26. Review status: criteria provided, single submitter. Criteria: ACMG Guidelines, 2015. Collection method: clinical testing. Allele origin: germline.
Comment: This variant is classified as likely benign based on ACMG/AMP sequence variant interpretation guidelines (Richards et al. 2015 PMID: 25741868, with internal and published modifications).

Labcorp Genetics (formerly Invitae), Labcorp
Classification: Likely benign. Last evaluated: 2023-10-27. Review status: criteria provided, single submitter. Criteria: Invitae Variant Classification Sherloc (09022015). Collection method: clinical testing. Allele origin: germline.

Blueprint Genetics
Classification: Likely benign. Last evaluated: 2023-05-12. Review status: criteria provided, single submitter. Criteria: ACMG Guidelines, 2015. Collection method: clinical testing. Allele origin: germline.

NM_000899.5(KITLG):c.66C>T (p.Leu22=)

Gene: KITLG (KIT ligand; minus strand). Cytogenetic location: 12q21.32.
Variant type: single nucleotide variant.
Coding change: c.66C>T on transcript NM_000899.5 (MANE Select); coding-DNA position 66, C replaced by T.
Protein change: p.Leu22=; no amino-acid change (leucine 22 retained).
Molecular consequence: synonymous variant.
Genome position (GRCh38, 1-based): chr12:88,545,815, G>A on the plus strand (C>T on the coding strand, the complement: KITLG is on the minus strand). VCF-style: chr12-88545815-G-A. GRCh37 (hg19) VCF-style: chr12-88939592-G-A.
Other names: c.66C>T, p.Leu22= (NM_003994.6); c.66C>T (NM_000899.4).
Identifiers: ClinVar variation 2196273 (VCV002196273.6), dbSNP rs145463930, ClinGen allele CA6713831.